The following is an entry in ClinVar:

ClinVar aggregate classification (germline): Uncertain significance. Review status: criteria provided, multiple submitters, no conflicts (2 of 4 stars). 2 submissions from 2 submitters: Uncertain significance (2). Last evaluated 2025-05-21.

Conditions:
XPR1-related disorder. Also called: XPR1-related condition.

gnomAD v4.1: 3 of 1,614,112 alleles (0.00019%); highest among the groups gnomAD compares: Non-Finnish European, 0.00025%; no homozygotes.

Submissions (2):

PreventionGenetics, part of Exact Sciences
Classification: Uncertain significance for XPR1-related condition. Last evaluated: 2025-05-21. Review status: criteria provided, single submitter. Criteria: ACMG Guidelines, 2015. Collection method: clinical testing. Allele origin: germline.
Comment: The XPR1 c.1061T>G variant is predicted to result in the amino acid substitution p.Phe354Cys. To our knowledge, this variant has not been reported in the literature. This variant is reported in 0.00088% of alleles in individuals of European (Non-Finnish) descent in gnomAD. At this time, the clinical significance of this variant is uncertain due to the absence of conclusive functional and genetic evidence.

Labcorp Genetics (formerly Invitae), Labcorp
Classification: Uncertain significance. Last evaluated: 2024-04-17. Review status: criteria provided, single submitter. Criteria: Invitae Variant Classification Sherloc (09022015). Collection method: clinical testing. Allele origin: germline.
Comment: This sequence change replaces phenylalanine, which is neutral and non-polar, with cysteine, which is neutral and slightly polar, at codon 354 of the XPR1 protein (p.Phe354Cys). This variant is present in population databases (no rsID available, gnomAD 0.0009%). This variant has not been reported in the literature in individuals affected with XPR1-related conditions. Advanced modeling of protein sequence and biophysical properties (such as structural, functional, and spatial information, amino acid conservation, physicochemical variation, residue mobility, and thermodynamic stability) has been performed at Invitae for this missense variant, however the output from this modeling did not meet the statistical confidence thresholds required to predict the impact of this variant on XPR1 protein function. In summary, the available evidence is currently insufficient to determine the role of this variant in disease. Therefore, it has been classified as a Variant of Uncertain Significance.

NM_004736.4(XPR1):c.1061T>G (p.Phe354Cys)

Gene: XPR1 (xenotropic and polytropic retrovirus receptor 1; plus strand). Cytogenetic location: 1q25.3.
Variant type: single nucleotide variant.
Coding change: c.1061T>G on transcript NM_004736.4 (MANE Select); coding-DNA position 1061, T replaced by G.
Protein change: p.Phe354Cys; replaces phenylalanine 354 with cysteine.
Molecular consequence: missense variant. On other transcripts: non-coding transcript variant (1).
Genome position (GRCh38, 1-based): chr1:180,825,271, T>G. VCF-style: chr1-180825271-T-G. GRCh37 (hg19) VCF-style: chr1-180794407-T-G.
Other names: c.1061T>G, p.Phe354Cys (NM_001135669.2, NM_001328662.2); c.1061T>G (NM_004736.3); short protein forms F354C.
Identifiers: ClinVar variation 3631248 (VCV003631248.3).